The following is an entry in ClinVar:

NM_000170.3(GLDC):c.871T>C (p.Cys291Arg)

Gene: GLDC (glycine decarboxylase; minus strand). Cytogenetic location: 9p24.1.
Variant type: single nucleotide variant.
Coding change: c.871T>C on transcript NM_000170.3 (MANE Select); coding-DNA position 871, T replaced by C.
Protein change: p.Cys291Arg; replaces cysteine 291 with arginine.
Molecular consequence: missense variant.
Genome position (GRCh38, 1-based): chr9:6,604,775, A>G on the plus strand (T>C on the coding strand, the complement: GLDC is on the minus strand). VCF-style: chr9-6604775-A-G. GRCh37 (hg19) VCF-style: chr9-6604775-A-G.
Other names: short protein forms C291R.
Identifiers: ClinVar variation 495701 (VCV000495701.8), dbSNP rs141014950, ClinGen allele CA372896071.

ClinVar aggregate classification (germline): Conflicting classifications of pathogenicity. Review status: criteria provided, conflicting classifications (1 of 4 stars). 3 submissions from 3 submitters: Likely pathogenic (2); Uncertain significance (1). Last evaluated 2025-09-05.

Conditions:
Glycine encephalopathy. Also called: Nonketotic hyperglycinemia; Non-ketotic hyperglycinemia. Identifiers: Orphanet 407, MedGen C0751748, MONDO:0011612, HP:0008288.

Allele frequency attached by ClinVar (database versions not stated): TOPMed 0.00001.
gnomAD v4.1: 2 of 1,613,736 alleles (0.00012%); highest among the groups gnomAD compares: Non-Finnish European, 0.00017%; no homozygotes.

Submissions (3):

Natera, Inc.
Classification: Likely pathogenic for Non-ketotic hyperglycinemia. Last evaluated: 2025-09-05. Review status: criteria provided, single submitter. Criteria: Natera Variant Classification Schema (03/2026). Collection method: clinical testing. Allele origin: germline.
Comment: The c.871T>C variant in GLDC is a missense variant predicted to cause substitution of cysteine to arginine at amino acid 291. This variant is rare in the general population with a frequency below the threshold expected for the associated phenotype(s). This variant has been observed in one or more individuals affected with the associated recessive disease, as either homozygous or compound heterozygous with a second variant (PMID: 27362913). A different variant at the same position has been determined to be Pathogenic or Likely Pathogenic. Computational prediction algorithms indicate this variant is likely to affect gene or protein function. Given the available evidence, this variant is classified as Likely Pathogenic.

Labcorp Genetics (formerly Invitae), Labcorp
Classification: Likely pathogenic for Glycine encephalopathy. Last evaluated: 2025-05-05. Review status: criteria provided, single submitter. Criteria: Invitae Variant Classification Sherloc (09022015). Collection method: clinical testing. Allele origin: germline.
Comment: This sequence change replaces cysteine, which is neutral and slightly polar, with arginine, which is basic and polar, at codon 291 of the GLDC protein (p.Cys291Arg). This variant is not present in population databases (gnomAD no frequency). This missense change has been observed in individual(s) with glycine encephalopathy (PMID: 27362913). ClinVar contains an entry for this variant (Variation ID: 495701). Invitae Evidence Modeling of protein sequence and biophysical properties (such as structural, functional, and spatial information, amino acid conservation, physicochemical variation, residue mobility, and thermodynamic stability) indicates that this missense variant is expected to disrupt GLDC protein function with a positive predictive value of 95%. In summary, the currently available evidence indicates that the variant is pathogenic, but additional data are needed to prove that conclusively. Therefore, this variant has been classified as Likely Pathogenic.

Women's Health and Genetics/Laboratory Corporation of America, LabCorp
Classification: Uncertain significance. Last evaluated: 2016-12-06. Review status: criteria provided, single submitter. Criteria: LabCorp Variant Classification Summary - May 2015. Collection method: clinical testing. Allele origin: germline.
Comment: Variant summary: The GLDC c.871T>C (p.Cys291Arg) variant involves the alteration of a conserved nucleotide. 4/4 in silico tools predict a damaging outcome for this substitution (SNPs&GO not captured due to low reliability index). This variant is absent in 121004 control chromosomes. The variant of interest has not, to our knowledge, been reported in affected individuals via publications and/or reputable databases/clinical diagnostic laboratories; nor evaluated for functional impact by in vivo/vitro studies. Because of the absence of clinical information and the lack of functional studies, the variant is classified as a variant of uncertain significance (VUS) until additional information becomes available.

Literature cited by the submitters: PubMed 27362913 (cited by Natera, Inc. and Labcorp Genetics (formerly Invitae), Labcorp).